The following is an entry in ClinVar:

NM_001312909.2(FAM111A):c.314A>T (p.Tyr105Phe)

Gene: FAM111A (FAM111 trypsin like peptidase A; plus strand). Cytogenetic location: 11q12.1.
Variant type: single nucleotide variant.
Coding change: c.314A>T on transcript NM_001312909.2 (MANE Select); coding-DNA position 314, A replaced by T.
Protein change: p.Tyr105Phe; replaces tyrosine 105 with phenylalanine.
Molecular consequence: missense variant.
Genome position (GRCh38, 1-based): chr11:59,151,982, A>T. VCF-style: chr11-59151982-A-T. GRCh37 (hg19) VCF-style: chr11-58919455-A-T.
Other names: c.314A>T (NM_001142520.1); c.314A>T, p.Tyr105Phe (NM_001142519.3, NM_001142520.3, NM_001142521.3 and 29 more transcripts); short protein forms Y105F.
Identifiers: ClinVar variation 3672369 (VCV003672369.3).

ClinVar aggregate classification (germline): Uncertain significance. Review status: criteria provided, multiple submitters, no conflicts (2 of 4 stars). 2 submissions from 2 submitters: Uncertain significance (2). Last evaluated 2025-11-19.

Conditions:
Inborn genetic diseases. Identifiers: MedGen C0950123, MeSH D030342.

Submissions (2):

Ambry Genetics
Classification: Uncertain significance for Inborn genetic diseases. Last evaluated: 2025-11-19. Review status: criteria provided, single submitter. Criteria: Ambry Variant Classification Scheme 2023. Collection method: clinical testing. Allele origin: germline.

Labcorp Genetics (formerly Invitae), Labcorp
Classification: Uncertain significance. Last evaluated: 2024-02-11. Review status: criteria provided, single submitter. Criteria: Invitae Variant Classification Sherloc (09022015). Collection method: clinical testing. Allele origin: germline.
Comment: This sequence change replaces tyrosine, which is neutral and polar, with phenylalanine, which is neutral and non-polar, at codon 105 of the FAM111A protein (p.Tyr105Phe). This variant is not present in population databases (gnomAD no frequency). This variant has not been reported in the literature in individuals affected with FAM111A-related conditions. Advanced modeling of protein sequence and biophysical properties (such as structural, functional, and spatial information, amino acid conservation, physicochemical variation, residue mobility, and thermodynamic stability) performed at Invitae indicates that this missense variant is not expected to disrupt FAM111A protein function with a negative predictive value of 80%. In summary, the available evidence is currently insufficient to determine the role of this variant in disease. Therefore, it has been classified as a Variant of Uncertain Significance.